The following is an entry in ClinVar:

ClinVar aggregate classification (germline): Likely benign (0 of 4 stars; one submission).

Conditions:
ABCC1-related disorder. Also called: ABCC1-related condition.

Allele frequency attached by ClinVar (database versions not stated): ExAC 0.00027; gnomAD 0.00063; TOPMed 0.00075; ESP Exome Variant Server 0.00097; 1000 Genomes Project 0.00160; 1000 Genomes Project 30x 0.00187.
gnomAD v4.1: 419 of 1,614,104 alleles (0.026%); highest among the groups gnomAD compares: African/African-American, 0.19%; no homozygotes.

Submission:

PreventionGenetics, part of Exact Sciences
Classification: Likely benign for ABCC1-related condition. Last evaluated: 2020-12-04. Review status: no assertion criteria provided. Collection method: clinical testing. Allele origin: germline.
Comment: This variant is classified as likely benign based on ACMG/AMP sequence variant interpretation guidelines (Richards et al. 2015 PMID: 25741868, with internal and published modifications).

NM_004996.4(ABCC1):c.1235A>G (p.Asn412Ser)

Gene: ABCC1 (ATP binding cassette subfamily C member 1 (ABCC1 blood group); plus strand). Cytogenetic location: 16p13.11.
Variant type: single nucleotide variant.
Coding change: c.1235A>G on transcript NM_004996.4 (MANE Select); coding-DNA position 1235, A replaced by G.
Protein change: p.Asn412Ser; replaces asparagine 412 with serine.
Molecular consequence: missense variant.
Genome position (GRCh38, 1-based): chr16:16,048,158, A>G. VCF-style: chr16-16048158-A-G. GRCh37 (hg19) VCF-style: chr16-16142015-A-G.
Other names: c.1235A>G, p.Asn412Ser (NM_019862.3); short protein forms N412S.
Identifiers: ClinVar variation 3046554 (VCV003046554.2), dbSNP rs77428024, ClinGen allele CA7923842.